The following is an entry in ClinVar:

NM_017671.5(FERMT1):c.*2069T>C

Gene: FERMT1 (FERM domain containing kindlin 1; minus strand). Cytogenetic location: 20p12.3.
Variant type: single nucleotide variant.
Coding change: c.*2069T>C on transcript NM_017671.5 (MANE Select); 2069 bases downstream of the stop codon, T replaced by C.
Molecular consequence: 3 prime UTR variant.
Genome position (GRCh38, 1-based): chr20:6,075,104, A>G on the plus strand (T>C on the coding strand, the complement: FERMT1 is on the minus strand). VCF-style: chr20-6075104-A-G. GRCh37 (hg19) VCF-style: chr20-6055751-A-G.
Identifiers: ClinVar variation 339174 (VCV000339174.6), dbSNP rs1059396, ClinGen allele CA10650120.
Genomic context (GRCh38, chr20:6,075,104, plus strand): 5'-GGTTTGTTTTTTTTTTTTTTTGTCACACTTGTTTATTTCTTTGGGATGTTGCTGTGTGTC[A>G]TGGAAGAAACGCTCCCCTGAAAACTGTAACCAAACAAAGTTTGGTTAAAACAAAGTTGGT-3'

ClinVar aggregate classification (germline): Benign. Review status: criteria provided, multiple submitters, no conflicts (2 of 4 stars). 2 submissions from 2 submitters: Benign (2). Last evaluated 2018-01-13.

Conditions:
Kindler syndrome (KNDLRS). Also called: BULLOUS ACROKERATOTIC POIKILODERMA OF KINDLER AND WEARY; POIKILODERMA, CONGENITAL, WITH BULLAE, WEARY TYPE; POIKILODERMA, HEREDITARY ACROKERATOTIC; Hereditary acrokeratotic poikiloderma of Weary; Poikiloderma of Kindler; Congenital bullous poikiloderma. Identifiers: Orphanet 2908, Orphanet 306539, MedGen C0406557, MONDO:0008260, OMIM 173650.

Allele frequency attached by ClinVar (database versions not stated): gnomAD exomes 0.20149; gnomAD 0.27473 and 0.28031; TOPMed 0.29468; 1000 Genomes Project 30x 0.35962; 1000 Genomes Project 0.36721.
gnomAD v4.1: 41,125 of 146,794 alleles (28%); highest among the groups gnomAD compares: East Asian, 56%; 6,112 homozygotes.

Submissions (2):

Illumina Laboratory Services, Illumina
Classification: Benign for Kindler syndrome. Last evaluated: 2018-01-13. Review status: criteria provided, single submitter. Criteria: ICSL Variant Classification Criteria 13 December 2019. Collection method: clinical testing. Allele origin: germline.
Comment: This variant was observed in the ICSL laboratory as part of a predisposition screen in an ostensibly healthy population. It had not been previously curated by ICSL or reported in the Human Gene Mutation Database (HGMD: prior to June 1st, 2018), and was therefore a candidate for classification through an automated scoring system. Utilizing variant allele frequency, disease prevalence and penetrance estimates, and inheritance mode, an automated score was calculated to assess if this variant is too frequent to cause the disease. Based on the score and internal cut-off values, a variant classified as benign is not then subjected to further curation. The score for this variant resulted in a classification of benign for this disease.

Breakthrough Genomics
Classification: Benign. Review status: criteria provided, single submitter. Criteria: ACMG Guidelines, 2015. Collection method: not provided. Allele origin: germline. Inheritance: Autosomal recessive inheritance. Affected: yes.